The following is an entry in ClinVar:

ClinVar aggregate classification (germline): Pathogenic (1 of 4 stars; one submission).

Conditions:
Hereditary cancer-predisposing syndrome. Also called: Neoplastic Syndromes, Hereditary; Tumor predisposition; Hereditary Cancer Syndrome; Hereditary neoplastic syndrome. Identifiers: Orphanet 140162, MedGen C0027672, MeSH D009386, MONDO:0015356.

Submission:

Ambry Genetics
Classification: Pathogenic for Hereditary cancer-predisposing syndrome. Last evaluated: 2020-03-05. Review status: criteria provided, single submitter. Criteria: Ambry Variant Classification Scheme 2023. Collection method: clinical testing. Allele origin: germline.
Comment: The c.1835dupC pathogenic mutation, located in coding exon 14 of the APC gene, results from a duplication of C at nucleotide position 1835, causing a translational frameshift with a predicted alternate stop codon (p.L613Tfs*21). This variant was not reported in population-based cohorts in the Genome Aggregation Database (gnomAD). This alteration is expected to result in loss of function by premature protein truncation or nonsense-mediated mRNA decay. As such, this alteration is interpreted as a disease-causing mutation.

NM_000038.6(APC):c.1835dup (p.Leu613fs)

Gene: APC (APC regulator of Wnt signaling pathway; plus strand). Cytogenetic location: 5q22.2.
Variant type: Duplication.
Coding change: c.1835dup on transcript NM_000038.6 (MANE Select); coding-DNA position 1835, one base duplicated (C; older notation c.1835dupC).
Protein change: p.Leu613fs; shifts the reading frame from leucine 613.
Molecular consequence: frameshift variant.
Genome position (GRCh38, 1-based): chr5:112,835,042, C duplicated. VCF-style (leftmost placement, unchanged base first): chr5-112835041-G-GC. GRCh37 (hg19) VCF-style: chr5-112170738-G-GC.
Other names: c.1835dup, p.Leu613fs (NM_001127510.3, NM_001354895.2); c.1781dup, p.Leu595fs (NM_001127511.3); c.1889dup, p.Leu631fs (NM_001354896.2); c.1865dup, p.Leu623fs (NM_001354897.2); c.1760dup, p.Leu588fs (NM_001354898.2); c.1751dup, p.Leu585fs (NM_001354899.2); c.1712dup, p.Leu572fs (NM_001354900.2); c.1658dup, p.Leu554fs (NM_001354901.2); and 16 more; short protein forms L453fs, L512fs, L522fs, L585fs, L588fs, L613fs, L623fs, L487fs.
Identifiers: ClinVar variation 1781034 (VCV001781034.2), dbSNP rs2533336775, ClinGen allele CA2580072470.